The following is an entry in ClinVar:

ClinVar aggregate classification (germline): Uncertain significance (1 of 4 stars; one submission).

Submission:

GeneDx
Classification: Uncertain significance. Last evaluated: 2026-03-07. Review status: criteria provided, single submitter. Criteria: GeneDx Variant Classification Process June 2021. Collection method: clinical testing. Allele origin: germline.
Comment: Not observed at significant frequency in large population cohorts (gnomAD); In silico analysis suggests that this missense variant does not alter protein structure/function; Has not been previously published as pathogenic or benign to our knowledge

NM_032436.4(CHAMP1):c.307A>C (p.Thr103Pro)

Gene: CHAMP1 (chromosome alignment maintaining phosphoprotein 1; plus strand). Cytogenetic location: 13q34.
Variant type: single nucleotide variant.
Coding change: c.307A>C on transcript NM_032436.4 (MANE Select); coding-DNA position 307, A replaced by C.
Protein change: p.Thr103Pro; replaces threonine 103 with proline.
Molecular consequence: missense variant.
Genome position (GRCh38, 1-based): chr13:114,324,149, A>C. VCF-style: chr13-114324149-A-C. GRCh37 (hg19) VCF-style: chr13-115089624-A-C.
Other names: c.307A>C, p.Thr103Pro (NM_001164144.3, NM_001164145.3); short protein forms T103P.
Identifiers: ClinVar variation 5008770 (VCV005008770.1).